The following is an entry in ClinVar:

ClinVar aggregate classification (germline): Likely benign. Review status: criteria provided, multiple submitters, no conflicts (2 of 4 stars). 5 submissions from 5 submitters: Likely benign (4). 1 of the submissions does not count toward it. Last evaluated 2025-05-22.

Conditions:
Inborn genetic diseases. Identifiers: MedGen C0950123, MeSH D030342.
Developmental and epileptic encephalopathy, 18 (DEE18). Also called: Early infantile epileptic encephalopathy 18. Identifiers: Orphanet 369894, MedGen C3809624, MONDO:0014201, OMIM 615476.
SZT2-related disorder. Also called: SZT2-related condition.

Allele frequency attached by ClinVar (database versions not stated): gnomAD exomes 0.00006 and 0.00007; ExAC 0.00008; 1000 Genomes Project 0.00020; ESP Exome Variant Server 0.00023; 1000 Genomes Project 30x 0.00031; gnomAD 0.00033 and 0.00038; TOPMed 0.00037.
gnomAD v4.1: 158 of 1,614,224 alleles (0.0098%); highest among the groups gnomAD compares: African/African-American, 0.11%; no homozygotes.

Submissions (5):

Labcorp Genetics (formerly Invitae), Labcorp
Classification: Likely benign. Last evaluated: 2025-05-22. Review status: criteria provided, single submitter. Criteria: Invitae Variant Classification Sherloc (09022015). Collection method: clinical testing. Allele origin: germline.

Genome-Nilou Lab
Classification: Likely benign for Developmental and epileptic encephalopathy, 18. Last evaluated: 2023-04-11. Review status: criteria provided, single submitter. Criteria: ACMG Guidelines, 2015. Collection method: clinical testing. Allele origin: germline. Affected: no.

Blueprint Genetics
Classification: Likely benign. Last evaluated: 2022-12-15. Review status: criteria provided, single submitter. Criteria: ACMG Guidelines, 2015. Collection method: clinical testing. Allele origin: germline.

Ambry Genetics
Classification: Likely benign for Inborn genetic diseases. Last evaluated: 2017-07-09. Review status: criteria provided, single submitter. Criteria: Ambry Variant Classification Scheme 2023. Collection method: clinical testing. Allele origin: germline.

PreventionGenetics, part of Exact Sciences
Classification: Likely benign for SZT2-related condition. Last evaluated: 2019-07-16. Review status: no assertion criteria provided. Collection method: clinical testing. Allele origin: germline. Not counted in ClinVar's aggregate classification.
Comment: This variant is classified as likely benign based on ACMG/AMP sequence variant interpretation guidelines (Richards et al. 2015 PMID: 25741868, with internal and published modifications).

NM_001365999.1(SZT2):c.5937C>T (p.His1979=)

Gene: SZT2 (SZT2 subunit of KICSTOR complex; plus strand). Cytogenetic location: 1p34.2.
Variant type: single nucleotide variant.
Coding change: c.5937C>T on transcript NM_001365999.1 (MANE Select); coding-DNA position 5937, C replaced by T.
Protein change: p.His1979=; no amino-acid change (histidine 1979 retained).
Molecular consequence: synonymous variant.
Genome position (GRCh38, 1-based): chr1:43,435,232, C>T. VCF-style: chr1-43435232-C-T. GRCh37 (hg19) VCF-style: chr1-43900903-C-T.
Other names: c.5766C>T, p.His1922= (NM_015284.4).
Identifiers: ClinVar variation 700011 (VCV000700011.16), dbSNP rs149717460, ClinGen allele CA809749.
Genomic context (GRCh38, chr1:43,435,232, plus strand): 5'-TTCCCTGACCTCATGCTCCTTCTCCCAGCGACTGCTTCTTCAAGACCTTCATGACAGCCA[C>T]GTGTGTAACTCTCTTCTGGTGGCCGAGAGTGAAGAAGATCTGTGGCGCAGTGAGACTCCC-3'
Protein context (NP_001352928.1, residues 1969-1989): RLLLQDLHDS[His1979=]VCNSLLVAES